The following is an entry in ClinVar:

NM_020699.4(GATAD2B):c.1331del (p.Cys444fs)

Gene: GATAD2B (GATA zinc finger domain containing 2B; minus strand). Cytogenetic location: 1q21.3.
Variant type: Deletion.
Coding change: c.1331del on transcript NM_020699.4 (MANE Select); coding-DNA position 1331, one base deleted (G; older notation c.1331delG).
Protein change: p.Cys444fs; shifts the reading frame from cysteine 444.
Molecular consequence: frameshift variant.
Genome position (GRCh38, 1-based): chr1:153,813,338, C deleted on the plus strand (G on the coding strand, the reverse complement: GATAD2B is on the minus strand). VCF-style (leftmost placement, unchanged base first): chr1-153813337-AC-A. GRCh37 (hg19) VCF-style: chr1-153785813-AC-A.
Other names: short protein forms C444fs.
Identifiers: ClinVar variation 373041 (VCV000373041.2), dbSNP rs1057518163, ClinGen allele CA16042316.
Genomic context (GRCh38, chr1:153,813,337, plus strand): 5'-TGCATTTTTCAGCCGGTTGGTGTGTTCAGCTTTTAGAGCCTTTTTCTGGTTGGAGGTCAT[AC>A]ACTGCTCACATAGAATCTTACCATTCTTTTCTTGCTTCCAGTGAGGGGTGAAATCTGTGC-3'

ClinVar aggregate classification (germline): Pathogenic (1 of 4 stars; one submission).

Submission:

GeneDx
Classification: Pathogenic. Last evaluated: 2016-10-24. Review status: criteria provided, single submitter. Criteria: GeneDx Variant Classification (06012015). Collection method: clinical testing. Allele origin: germline. Affected: yes.
Comment: The c.1331delG variant in the GATAD2B gene has not been reported previously as a pathogenic variant nor as a benign variant, to our knowledge. The c.1331delG variant causes a frameshift starting with codon Cysteine 444, changes this amino acid to a Leucine residue, and creates a premature Stop codon at position 2 of the new reading frame, denoted p.Cys444LeufsX2. This variant is predicted to cause loss of normal protein function either through protein truncation or nonsense-mediated mRNA decay. The c.1331delG variant was not observed in approximately 6500 individuals of European and African American ancestry in the NHLBI Exome Sequencing Project, indicating it is not a common benign variant in these populations. Considering the available data, we interpret c.1331delG as a pathogenic variant.